The following is an entry in ClinVar:

NM_004176.5(SREBF1):c.2031C>T (p.His677=)

Gene: SREBF1 (sterol regulatory element binding transcription factor 1; minus strand). Cytogenetic location: 17p11.2.
Variant type: single nucleotide variant.
Coding change: c.2031C>T on transcript NM_004176.5 (MANE Select); coding-DNA position 2031, C replaced by T.
Protein change: p.His677=; no amino-acid change (histidine 677 retained).
Molecular consequence: synonymous variant. On other transcripts: non-coding transcript variant (4).
Genome position (GRCh38, 1-based): chr17:17,816,473, G>A on the plus strand (C>T on the coding strand, the complement: SREBF1 is on the minus strand). VCF-style: chr17-17816473-G-A. GRCh37 (hg19) VCF-style: chr17-17719787-G-A.
Other names: c.2121C>T, p.His707= (NM_001005291.3); c.1959C>T, p.His653= (NM_001321096.3); c.2031C>T, p.His677= (NM_001388385.1, NM_001388386.1); c.2070C>T, p.His690= (NM_001388387.1); c.1986C>T, p.His662= (NM_001388388.1); c.2025C>T, p.His675= (NM_001388389.1); c.2013C>T, p.His671= (NM_001388390.1); c.2004C>T, p.His668= (NM_001388391.1); and 3 more.
Identifiers: ClinVar variation 2647532 (VCV002647532.24), dbSNP rs1158432115, ClinGen allele CA498426486.
Genomic context (GRCh38, chr17:17,816,473, plus strand): 5'-GGCAGCAGGGAGCACCTCGGAGCCCGCCCCACGCTCAGTCCTACCCATGGTGTGCAGCTG[G>A]TGCAGCTTATGGTAGACCAGGGCTGCGTCTCGGGCGCTGGCGCTAGCATCCACTCGCAGA-3'
Protein context (NP_004167.3, residues 667-687): RDAALVYHKL[His677=]QLHTMGKHTG

ClinVar aggregate classification (germline): Likely benign (1 of 4 stars; one submission).

Allele frequency attached by ClinVar (database versions not stated): TOPMed below 0.00001.

Submission:

CeGaT Center for Human Genetics Tuebingen
Classification: Likely benign. Last evaluated: 2022-06-01. Review status: criteria provided, single submitter. Criteria: CeGaT Center For Human Genetics Tuebingen Variant Classification Criteria Version 2. Collection method: clinical testing. Allele origin: germline. Affected: yes. Observed: 1 variant allele.
Comment: SREBF1: PM2:Supporting, BP4, BP7